The following is an entry in ClinVar:

ClinVar aggregate classification (germline): Benign. Review status: criteria provided, single submitter (1 of 4 stars). 2 submissions from 2 submitters: Benign (1). 1 of the submissions does not count toward it. Last evaluated 2023-03-07.

Conditions:
ANKRD11-related disorder. Also called: ANKRD11-related condition.
KBG syndrome (KBGS). Also called: ANKRD11-Related KBG Syndrome. Identifiers: Orphanet 2332, MedGen C0220687, MONDO:0007846, OMIM 148050.

gnomAD v4.1: 29 of 1,613,396 alleles (0.0018%); highest among the groups gnomAD compares: East Asian, 0.058%; no homozygotes.

Submissions (2):

Labcorp Genetics (formerly Invitae), Labcorp
Classification: Benign for KBG syndrome. Last evaluated: 2023-03-07. Review status: criteria provided, single submitter. Criteria: Invitae Variant Classification Sherloc (09022015). Collection method: clinical testing. Allele origin: germline.

PreventionGenetics, part of Exact Sciences
Classification: Likely benign for ANKRD11-related condition. Last evaluated: 2020-12-16. Review status: no assertion criteria provided. Collection method: clinical testing. Allele origin: germline. Not counted in ClinVar's aggregate classification.
Comment: This variant is classified as likely benign based on ACMG/AMP sequence variant interpretation guidelines (Richards et al. 2015 PMID: 25741868, with internal and published modifications).

NM_013275.6(ANKRD11):c.5908C>A (p.Pro1970Thr)

Gene: ANKRD11 (ankyrin repeat domain 11; minus strand). Cytogenetic location: 16q24.3.
Variant type: single nucleotide variant.
Coding change: c.5908C>A on transcript NM_013275.6 (MANE Select); coding-DNA position 5908, C replaced by A.
Protein change: p.Pro1970Thr; replaces proline 1970 with threonine.
Molecular consequence: missense variant.
Genome position (GRCh38, 1-based): chr16:89,280,634, G>T on the plus strand (C>A on the coding strand, the complement: ANKRD11 is on the minus strand). VCF-style: chr16-89280634-G-T. GRCh37 (hg19) VCF-style: chr16-89347042-G-T.
Other names: c.5908C>A (NM_013275.5); c.5908C>A, p.Pro1970Thr (NM_001256182.2, NM_001256183.2); short protein forms P1970T.
Identifiers: ClinVar variation 3010154 (VCV003010154.5), dbSNP rs202044071, ClinGen allele CA8241677.